The following is an entry in ClinVar:

NM_001365276.2(TNXB):c.80C>T (p.Ser27Phe)

Gene: TNXB (tenascin XB; minus strand). Cytogenetic location: 6p21.33.
Variant type: single nucleotide variant.
Coding change: c.80C>T on transcript NM_001365276.2 (MANE Select); coding-DNA position 80, C replaced by T.
Protein change: p.Ser27Phe; replaces serine 27 with phenylalanine.
Molecular consequence: missense variant.
Genome position (GRCh38, 1-based): chr6:32,098,119, G>A on the plus strand (C>T on the coding strand, the complement: TNXB is on the minus strand). VCF-style: chr6-32098119-G-A. GRCh37 (hg19) VCF-style: chr6-32065896-G-A.
Other names: c.80C>T, p.Ser27Phe (NM_019105.8); short protein forms S27F.
Identifiers: ClinVar variation 1761994 (VCV001761994.4), dbSNP rs372058480, ClinGen allele CA3735915.

ClinVar aggregate classification (germline): Uncertain significance. Review status: criteria provided, multiple submitters, no conflicts (2 of 4 stars). 2 submissions from 2 submitters: Uncertain significance (2). Last evaluated 2025-07-28.

Conditions:
Cardiovascular phenotype. Identifiers: MedGen CN230736.

Allele frequency attached by ClinVar (database versions not stated): ExAC 0.00001; gnomAD 0.00001; gnomAD exomes 0.00002; TOPMed 0.00002; ESP Exome Variant Server 0.00008.
gnomAD v4.1: 24 of 1,599,214 alleles (0.0015%); highest among the groups gnomAD compares: Non-Finnish European, 0.002%; no homozygotes.

Submissions (2):

Women's Health and Genetics/Laboratory Corporation of America, LabCorp
Classification: Uncertain significance. Last evaluated: 2025-07-28. Review status: criteria provided, single submitter. Criteria: LabCorp Variant Classification Summary - May 2015. Collection method: clinical testing. Allele origin: germline.
Comment: Variant summary: TNXB c.80C>T (p.Ser27Phe) results in a non-conservative amino acid change in the encoded protein sequence. Algorithms developed to predict the effect of missense changes on protein structure and function are either unavailable or do not agree on the potential impact of this missense change. The variant allele was found at a frequency of 4.1e-06 in 245628 control chromosomes. The available data on variant occurrences in the general population are insufficient to allow any conclusion about variant significance. To our knowledge, no occurrence of c.80C>T in individuals affected with Ehlers-Danlos syndrome due to tenascin-X deficiency and no experimental evidence demonstrating its impact on protein function have been reported. ClinVar contains an entry for this variant (Variation ID: 1761994). Based on the evidence outlined above, the variant was classified as uncertain significance.

Ambry Genetics
Classification: Uncertain significance for Cardiovascular phenotype. Last evaluated: 2025-03-10. Review status: criteria provided, single submitter. Criteria: Ambry Variant Classification Scheme 2023. Collection method: clinical testing. Allele origin: germline.